The following is an entry in ClinVar:

NM_005677.4(COLQ):c.584G>A (p.Gly195Asp)

Gene: COLQ (collagen like tail subunit of asymmetric acetylcholinesterase; minus strand). Cytogenetic location: 3p25.1.
Variant type: single nucleotide variant.
Coding change: c.584G>A on transcript NM_005677.4 (MANE Select); coding-DNA position 584, G replaced by A.
Protein change: p.Gly195Asp; replaces glycine 195 with aspartic acid.
Molecular consequence: missense variant.
Genome position (GRCh38, 1-based): chr3:15,474,244, C>T on the plus strand (G>A on the coding strand, the complement: COLQ is on the minus strand). VCF-style: chr3-15474244-C-T. GRCh37 (hg19) VCF-style: chr3-15515751-C-T.
Other names: c.554G>A, p.Gly185Asp (NM_080538.2); c.482G>A, p.Gly161Asp (NM_080539.4); short protein forms G195D, G161D, G185D.
Identifiers: ClinVar variation 644732 (VCV000644732.9), dbSNP rs764640385, ClinGen allele CA2276088.

ClinVar aggregate classification (germline): Uncertain significance. Review status: criteria provided, multiple submitters, no conflicts (2 of 4 stars). 2 submissions from 2 submitters: Uncertain significance (2). Last evaluated 2025-05-06.

Conditions:
Congenital myasthenic syndrome 5. Identifiers: Orphanet 590, MedGen C1864233, MONDO:0011281, OMIM 603034.
Inborn genetic diseases. Identifiers: MedGen C0950123, MeSH D030342.

Allele frequency attached by ClinVar (database versions not stated): gnomAD exomes below 0.00001 and 0.00001; ExAC 0.00002.

Submissions (2):

Ambry Genetics
Classification: Uncertain significance for Inborn genetic diseases. Last evaluated: 2025-05-06. Review status: criteria provided, single submitter. Criteria: Ambry Variant Classification Scheme 2023. Collection method: clinical testing. Allele origin: germline.

Labcorp Genetics (formerly Invitae), Labcorp
Classification: Uncertain significance for Congenital myasthenic syndrome 5. Last evaluated: 2018-07-21. Review status: criteria provided, single submitter. Criteria: Invitae Variant Classification Sherloc (09022015). Collection method: clinical testing. Allele origin: germline.
Comment: This sequence change replaces glycine with aspartic acid at codon 195 of the COLQ protein (p.Gly195Asp). The glycine residue is highly conserved and there is a moderate physicochemical difference between glycine and aspartic acid. Algorithms developed to predict the effect of missense changes on protein structure and function are either unavailable or do not agree on the potential impact of this missense change (SIFT: "Deleterious"; PolyPhen-2: "Probably Damaging"; Align-GVGD: "Class C15"). This variant has not been reported in the literature in individuals with COLQ-related disease. This variant is present in population databases (rs764640385, ExAC 0.003%). In summary, the available evidence is currently insufficient to determine the role of this variant in disease. Therefore, it has been classified as a Variant of Uncertain Significance.